The following is an entry in ClinVar:

NM_000268.4(NF2):c.115-1G>A

Gene: NF2 (NF2, moesin-ezrin-radixin like (MERLIN) tumor suppressor; plus strand). Cytogenetic location: 22q12.2.
Variant type: single nucleotide variant.
Coding change: c.115-1G>A on transcript NM_000268.4 (MANE Select); the canonical splice acceptor site of the intron before coding-DNA position 115, G replaced by A.
Molecular consequence: splice acceptor variant. On other transcripts: intron variant (6).
Genome position (GRCh38, 1-based): chr22:29,636,750, G>A. VCF-style: chr22-29636750-G-A. GRCh37 (hg19) VCF-style: chr22-30032739-G-A.
Other names: c.115-1G>A (NM_016418.5, NM_181832.3, NM_001407060.1 and 9 more transcripts); c.1-1G>A (NM_001407056.1, NM_001407053.1); c.-142-1G>A (NM_001407067.1); c.-526-1G>A (NM_001407065.1); c.115-2340G>A (NM_181828.3, NM_001407055.1); c.115-5452G>A (NM_001407063.1, NM_181830.3, NM_001407064.1 and 1 more transcripts).
Identifiers: ClinVar variation 997868 (VCV000997868.5), dbSNP rs2065657938, ClinGen allele CA411152401.

ClinVar aggregate classification (germline): Likely pathogenic. Review status: criteria provided, multiple submitters, no conflicts (2 of 4 stars). 2 submissions from 2 submitters: Likely pathogenic (2). Last evaluated 2023-12-26.

Conditions:
Neurofibromatosis, type 2 (SWNV). Also called: BILATERAL ACOUSTIC NEUROFIBROMATOSIS; NF2-Related Schwannomatosis; SCHWANNOMATOSIS, VESTIBULAR. Identifiers: Orphanet 637, MedGen C0027832, MONDO:0007039, OMIM 101000. Disease mechanism: loss of function.

Submissions (4):

Labcorp Genetics (formerly Invitae), Labcorp
Classification: Likely pathogenic for Neurofibromatosis, type 2. Last evaluated: 2023-12-26. Review status: criteria provided, single submitter. Criteria: Invitae Variant Classification Sherloc (09022015). Collection method: clinical testing. Allele origin: germline.
Comment: This sequence change affects an acceptor splice site in intron 1 of the NF2 gene. It is expected to disrupt RNA splicing. Variants that disrupt the donor or acceptor splice site typically lead to a loss of protein function (PMID: 16199547), and loss-of-function variants in NF2 are known to be pathogenic (PMID: 9643284, 16983642). This variant is not present in population databases (gnomAD no frequency). Disruption of this splice site has been observed in individual(s) with neurofibromatosis type 2 (PMID: 11129337). ClinVar contains an entry for this variant (Variation ID: 997868). Algorithms developed to predict the effect of sequence changes on RNA splicing suggest that this variant may disrupt the consensus splice site. In summary, the currently available evidence indicates that the variant is pathogenic, but additional data are needed to prove that conclusively. Therefore, this variant has been classified as Likely Pathogenic.

Women's Health and Genetics/Laboratory Corporation of America, LabCorp
Classification: Likely pathogenic for Neurofibromatosis, type 2. Last evaluated: 2021-02-04. Review status: criteria provided, single submitter. Criteria: LabCorp Variant Classification Summary - May 2015. Collection method: clinical testing. Allele origin: germline.
Comment: Variant summary: NF2 c.115-1G>A is located in a canonical splice-site and is predicted to affect mRNA splicing resulting in a significantly altered protein due to either exon skipping, shortening, or inclusion of intronic material. Several computational tools predict a significant impact on normal splicing: Four predict the variant abolishes a 3' acceptor site. However, these predictions have yet to be confirmed by functional studies. The variant was absent in 251484 control chromosomes. c.115-1G>A has been reported in the literature in individuals affected with meningiomas and vestibular schwannomas (Clark_2013, Dunn_2019, Zhang_2013). To our knowledge, no experimental evidence demonstrating an impact on protein function has been reported. No clinical diagnostic laboratories have submitted clinical-significance assessments for this variant to ClinVar after 2014. Based on the evidence outlined above, the variant was classified as likely pathogenic.

Dr. Peter K. Rogan Lab, Western University
No classification provided (evidence only). Condition: Cervical cancer. Review status: no classification provided. Collection method: in vitro. Allele origin: not applicable. Functional consequence: skipped exon. Not counted in ClinVar's aggregate classification.

Dr. Peter K. Rogan Lab, Western University
No classification provided (evidence only). Condition: Mesothelioma. Review status: no classification provided. Collection method: in vitro. Allele origin: not applicable. Functional consequence: skipped exon. Not counted in ClinVar's aggregate classification.

Literature cited by the submitters: PubMed 16199547 (cited by Labcorp Genetics (formerly Invitae), Labcorp); PubMed 9643284 (cited by Labcorp Genetics (formerly Invitae), Labcorp); PubMed 16983642 (cited by Labcorp Genetics (formerly Invitae), Labcorp); PubMed 11129337 (cited by Labcorp Genetics (formerly Invitae), Labcorp); PubMed 23348505 (cited by Women's Health and Genetics/Laboratory Corporation of America, LabCorp); PubMed 30594554 (cited by Women's Health and Genetics/Laboratory Corporation of America, LabCorp); PubMed 24030433 (cited by Women's Health and Genetics/Laboratory Corporation of America, LabCorp).